The following is an entry in ClinVar:

ClinVar aggregate classification (germline): Conflicting classifications of pathogenicity. Review status: criteria provided, conflicting classifications (1 of 4 stars). 4 submissions from 4 submitters: Uncertain significance (1); Likely benign (3). Last evaluated 2026-05-30.

Conditions:
Dilated cardiomyopathy 1G (CMD1G). Identifiers: Orphanet 154, MedGen C1858763, MONDO:0011400, OMIM 604145.
Autosomal recessive limb-girdle muscular dystrophy type 2J (LGMDR10). Also called: Limb-girdle muscular dystrophy, type 2J; MUSCULAR DYSTROPHY, LIMB-GIRDLE, AUTOSOMAL RECESSIVE 10. Identifiers: Orphanet 140922, MedGen C1837342, MONDO:0012127, OMIM 608807.

Allele frequency attached by ClinVar (database versions not stated): gnomAD exomes 0.00002 and 0.00001; TOPMed 0.00002; gnomAD 0.00004 and 0.00003; ExAC 0.00001.
gnomAD v4.1: 10 of 1,613,642 alleles (0.00062%); highest among the groups gnomAD compares: African/African-American, 0.012%; no homozygotes.

Submissions (4):

Women's Health and Genetics/Laboratory Corporation of America, LabCorp
Classification: Likely benign. Last evaluated: 2026-05-30. Review status: criteria provided, single submitter. Criteria: LabCorp Variant Classification Summary - May 2015. Collection method: clinical testing. Allele origin: germline.

Labcorp Genetics (formerly Invitae), Labcorp
Classification: Likely benign for Dilated cardiomyopathy 1G; Autosomal recessive limb-girdle muscular dystrophy type 2J. Last evaluated: 2026-01-19. Review status: criteria provided, single submitter. Criteria: Invitae Variant Classification Sherloc (09022015). Collection method: clinical testing. Allele origin: germline.

GeneDx
Classification: Likely benign. Last evaluated: 2017-12-11. Review status: criteria provided, single submitter. Criteria: GeneDx Variant Classification (06012015). Collection method: clinical testing. Allele origin: germline. Affected: yes.
Comment: This variant is considered likely benign or benign based on one or more of the following criteria: it is a conservative change, it occurs at a poorly conserved position in the protein, it is predicted to be benign by multiple in silico algorithms, and/or has population frequency not consistent with disease.

Eurofins Ntd Llc (ga)
Classification: Uncertain significance. Last evaluated: 2015-09-03. Review status: criteria provided, single submitter. Criteria: EGL Classification Definitions 2015. Collection method: clinical testing. Allele origin: germline. Observed: 1 variant allele, 1 heterozygote.

NM_001267550.2(TTN):c.15822A>T (p.Ala5274=)

Gene: TTN (titin; minus strand). Cytogenetic location: 2q31.2.
Variant type: single nucleotide variant.
Coding change: c.15822A>T on transcript NM_001267550.2 (MANE Select); coding-DNA position 15822, A replaced by T.
Protein change: p.Ala5274=; no amino-acid change (alanine 5274 retained).
Molecular consequence: synonymous variant. On other transcripts: intron variant (3).
Genome position (GRCh38, 1-based): chr2:178,733,471, T>A on the plus strand (A>T on the coding strand, the complement: TTN is on the minus strand). VCF-style: chr2-178733471-T-A. GRCh37 (hg19) VCF-style: chr2-179598198-T-A.
Other names: c.14871A>T, p.Ala4957= (NM_001256850.1); c.12090A>T, p.Ala4030= (NM_133378.4); c.13282+4611A>T (NM_003319.4); c.13858+4611A>T (NM_133437.4); c.13657+4611A>T (NM_133432.3).
Identifiers: ClinVar variation 282518 (VCV000282518.15), dbSNP rs779456916, ClinGen allele CA2002146.